The following is an entry in ClinVar:

ClinVar aggregate classification (germline): Uncertain significance. Review status: criteria provided, multiple submitters, no conflicts (2 of 4 stars). 3 submissions from 3 submitters: Uncertain significance (2). 1 of the submissions does not count toward it. Last evaluated 2026-04-01.

Conditions:
C19orf12-related disorder. Also called: C19orf12-related condition.
Hereditary spastic paraplegia 43. Also called: Spastic paraplegia 43, autosomal recessive. Identifiers: Orphanet 320370, MedGen C2680446, MONDO:0014024, OMIM 615043.

Allele frequency attached by ClinVar (database versions not stated): gnomAD 0.00001; gnomAD exomes 0.00001; TOPMed 0.00002.
gnomAD v4.1: 17 of 1,613,824 alleles (0.0011%); highest among the groups gnomAD compares: African/African-American, 0.0027%; no homozygotes.

Submissions (3):

CeGaT Center for Human Genetics Tuebingen
Classification: Uncertain significance. Last evaluated: 2026-04-01. Review status: criteria provided, single submitter. Criteria: CeGaT Center For Human Genetics Tuebingen Variant Classification Criteria Version 2. Collection method: clinical testing. Allele origin: germline. Affected: yes. Observed: 1 variant allele.
Comment: C19orf12: PM2, BP4

Labcorp Genetics (formerly Invitae), Labcorp
Classification: Uncertain significance for Hereditary spastic paraplegia 43. Last evaluated: 2023-06-29. Review status: criteria provided, single submitter. Criteria: Invitae Variant Classification Sherloc (09022015). Collection method: clinical testing. Allele origin: germline.
Comment: This sequence change replaces isoleucine, which is neutral and non-polar, with valine, which is neutral and non-polar, at codon 14 of the C19orf12 protein (p.Ile14Val). This variant is present in population databases (no rsID available, gnomAD 0.004%). This variant has not been reported in the literature in individuals affected with C19orf12-related conditions. Algorithms developed to predict the effect of missense changes on protein structure and function output the following: SIFT: "Not Available"; PolyPhen-2: "Benign"; Align-GVGD: "Not Available". The valine amino acid residue is found in multiple mammalian species, which suggests that this missense change does not adversely affect protein function. In summary, the available evidence is currently insufficient to determine the role of this variant in disease. Therefore, it has been classified as a Variant of Uncertain Significance.

PreventionGenetics, part of Exact Sciences
Classification: Uncertain significance for C19orf12-related condition. Last evaluated: 2024-08-27. Review status: no assertion criteria provided. Collection method: clinical testing. Allele origin: germline. Not counted in ClinVar's aggregate classification.
Comment: The C19orf12 c.40A>G variant is predicted to result in the amino acid substitution p.Ile14Val. To our knowledge, this variant has not been reported in the literature. This variant is reported in 0.0041% of alleles in individuals of African descent in gnomAD. At this time, the clinical significance of this variant is uncertain due to the absence of conclusive functional and genetic evidence.

NM_031448.6(C19orf12):c.7A>G (p.Ile3Val)

Gene: C19orf12 (chromosome 19 open reading frame 12; minus strand). Cytogenetic location: 19q12.
Variant type: single nucleotide variant.
Coding change: c.7A>G on transcript NM_031448.6 (MANE Select); coding-DNA position 7, A replaced by G.
Protein change: p.Ile3Val; replaces isoleucine 3 with valine.
Molecular consequence: missense variant. On other transcripts: 5 prime UTR variant (1), intron variant (2).
Genome position (GRCh38, 1-based): chr19:29,708,407, T>C on the plus strand (A>G on the coding strand, the complement: C19orf12 is on the minus strand). VCF-style: chr19-29708407-T-C. GRCh37 (hg19) VCF-style: chr19-30199314-T-C.
Other names: c.7A>G, p.Ile3Val (NM_001031726.4, NM_001256046.3, NM_001256047.2); c.-307A>G (NM_001282931.3); c.-32-5430A>G (NM_001282929.1, NM_001282930.3); c.40A>G (NM_001031726.3); short protein forms I3V.
Identifiers: ClinVar variation 2988212 (VCV002988212.6), dbSNP rs888211462, ClinGen allele CA306789004.